The following is an entry in ClinVar:

ClinVar aggregate classification (germline): Pathogenic. Review status: criteria provided, single submitter (1 of 4 stars). 2 submissions from 2 submitters: Pathogenic (1). 1 of the submissions does not count toward it. Last evaluated 2026-02-05.

Conditions:
Polycystic kidney disease, adult type (PKD1). Also called: Polycystic Kidney Disease 1, Autosomal Dominant; Polycystic kidney disease 1; Polycystic kidney disease 1, severe; POLYCYSTIC KIDNEY DISEASE 1 WITH OR WITHOUT POLYCYSTIC LIVER DISEASE; POLYCYSTIC KIDNEY DISEASE, ADULT, TYPE I; Polycystic Kidney, Autosomal Dominant. Identifiers: MedGen C3149841, MONDO:0008263, OMIM 173900.

Submissions (2):

Victorian Clinical Genetics Services, Murdoch Childrens Research Institute
Classification: Pathogenic for Polycystic kidney disease, adult type. Last evaluated: 2026-02-05. Review status: criteria provided, single submitter. Criteria: ACMG Guidelines, 2015. Collection method: clinical testing. Allele origin: germline. Affected: yes.
Comment: This variant is classified as Pathogenic. Evidence in support of pathogenic classification: Variant is predicted to cause nonsense-mediated decay (NMD) and loss of protein (premature termination codon is located at least 54 nucleotides upstream of the final exon-exon junction); Variant is absent from gnomAD (v2, v3 and v4); Other NMD-predicted variant(s) comparable to the one identified in this case have very strong previous evidence for pathogenicity (DECIPHER). Additional information: This variant is heterozygous; This gene is associated with autosomal dominant disease. Polycystic kidney disease 1 (MIM#173900) is predominantly caused by monoallelic variants, with rare reports of biallelic variants causing disease (OMIM); Loss of function is a known mechanism of disease in this gene and is associated with polycystic kidney disease 1 (MIM#173900); Inheritance information for this variant is not currently available in this individual.

Bioscientia Institut fuer Medizinische Diagnostik GmbH, Sonic Healthcare
Classification: Pathogenic for Polycystic kidney disease, adult type. Last evaluated: 2018-04-09. Review status: no assertion criteria provided. Collection method: clinical testing. Allele origin: germline. Affected: yes. Not counted in ClinVar's aggregate classification.

NM_001009944.3(PKD1):c.404G>A (p.Trp135Ter)

Gene: PKD1 (polycystin 1, transient receptor potential channel interacting; minus strand). Cytogenetic location: 16p13.3.
Variant type: single nucleotide variant.
Coding change: c.404G>A on transcript NM_001009944.3 (MANE Select); coding-DNA position 404, G replaced by A.
Protein change: p.Trp135Ter; replaces tryptophan 135 with a stop codon.
Molecular consequence: nonsense.
Genome position (GRCh38, 1-based): chr16:2,118,801, C>T on the plus strand (G>A on the coding strand, the complement: PKD1 is on the minus strand). VCF-style: chr16-2118801-C-T. GRCh37 (hg19) VCF-style: chr16-2168802-C-T.
Other names: c.404G>A, p.Trp135Ter (NM_000296.4); short protein forms W135*.
Identifiers: ClinVar variation 599102 (VCV000599102.3), dbSNP rs1567219111, ClinGen allele CA394395603.
Genomic context (GRCh38, chr16:2,118,801, plus strand): 5'-CACGTGGCTGCCTCGGGCTGCACCACCCGCACCTGCTGCTCCTCCGCCCATCGCGGCAGC[C>T]ACGCCAGGCCACAGTCACACTCAAACGGGTTCCCACTCAGGTTTCTGCAGGGCAGGGGCA-3'